The following is an entry in ClinVar:

ClinVar aggregate classification (germline): Uncertain significance. Review status: criteria provided, multiple submitters, no conflicts (2 of 4 stars). 2 submissions from 2 submitters: Uncertain significance (2). Last evaluated 2025-03-18.

Conditions:
Pyogenic arthritis-pyoderma gangrenosum-acne syndrome (PAPA). Also called: FAMILIAL RECURRENT ARTHRITIS; PAPA SYNDROME. Identifiers: Orphanet 69126, MedGen C1858361, MONDO:0011462, OMIM 604416.

Allele frequency attached by ClinVar (database versions not stated): gnomAD 0.00001.

Submissions (2):

Labcorp Genetics (formerly Invitae), Labcorp
Classification: Uncertain significance for Pyogenic arthritis-pyoderma gangrenosum-acne syndrome. Last evaluated: 2025-03-18. Review status: criteria provided, single submitter. Criteria: Invitae Variant Classification Sherloc (09022015). Collection method: clinical testing. Allele origin: germline.
Comment: This sequence change replaces glutamic acid, which is acidic and polar, with glutamine, which is neutral and polar, at codon 159 of the PSTPIP1 protein (p.Glu159Gln). This variant is not present in population databases (gnomAD no frequency). This missense change has been observed in individual(s) with inborn errors of immunity (PMID: 37898571). ClinVar contains an entry for this variant (Variation ID: 317174). Invitae Evidence Modeling of protein sequence and biophysical properties (such as structural, functional, and spatial information, amino acid conservation, physicochemical variation, residue mobility, and thermodynamic stability) indicates that this missense variant is not expected to disrupt PSTPIP1 protein function with a negative predictive value of 80%. In summary, the available evidence is currently insufficient to determine the role of this variant in disease. Therefore, it has been classified as a Variant of Uncertain Significance.

Illumina Laboratory Services, Illumina
Classification: Uncertain significance for Pyogenic arthritis-pyoderma gangrenosum-acne syndrome. Last evaluated: 2018-01-12. Review status: criteria provided, single submitter. Criteria: ICSL Variant Classification Criteria 13 December 2019. Collection method: clinical testing. Allele origin: germline.

Literature cited by the submitters: PubMed 37898571 (cited by Labcorp Genetics (formerly Invitae), Labcorp).

NM_003978.5(PSTPIP1):c.475G>C (p.Glu159Gln)

Gene: PSTPIP1 (proline-serine-threonine phosphatase interacting protein 1; plus strand). Cytogenetic location: 15q24.3.
Variant type: single nucleotide variant.
Coding change: c.475G>C on transcript NM_003978.5 (MANE Select); coding-DNA position 475, G replaced by C.
Protein change: p.Glu159Gln; replaces glutamic acid 159 with glutamine.
Molecular consequence: missense variant. On other transcripts: non-coding transcript variant (1).
Genome position (GRCh38, 1-based): chr15:77,028,611, G>C. VCF-style: chr15-77028611-G-C. GRCh37 (hg19) VCF-style: chr15-77320952-G-C.
Other names: c.475G>C, p.Glu159Gln (NM_001321135.2); c.448G>C, p.Glu150Gln (NM_001321136.2); c.670G>C, p.Glu224Gln (NM_001321137.1); short protein forms E159Q, E150Q, E224Q.
Identifiers: ClinVar variation 317174 (VCV000317174.7), dbSNP rs886051493, ClinGen allele CA10646632.